The following is an entry in ClinVar:

NM_001377142.1(PLCB4):c.1992A>T (p.Gln664His)

Gene: PLCB4 (phospholipase C beta 4; plus strand). Cytogenetic location: 20p12.2.
Variant type: single nucleotide variant.
Coding change: c.1992A>T on transcript NM_001377142.1 (MANE Select); coding-DNA position 1992, A replaced by T.
Protein change: p.Gln664His; replaces glutamine 664 with histidine.
Molecular consequence: missense variant.
Genome position (GRCh38, 1-based): chr20:9,409,174, A>T. VCF-style: chr20-9409174-A-T. GRCh37 (hg19) VCF-style: chr20-9389821-A-T.
Other names: c.1956A>T, p.Gln652His (NM_000933.4, NM_001377134.2, NM_001377135.1 and 2 more transcripts); c.1992A>T, p.Gln664His (NM_001172646.2, NM_001377143.1); short protein forms Q652H, Q664H.
Identifiers: ClinVar variation 4686349 (VCV004686349.1).

ClinVar aggregate classification (germline): Uncertain significance (1 of 4 stars; one submission).

Submission:

GeneDx
Classification: Uncertain significance. Last evaluated: 2025-07-17. Review status: criteria provided, single submitter. Criteria: GeneDx Variant Classification Process June 2021. Collection method: clinical testing. Allele origin: germline. Affected: yes.
Comment: Not observed at significant frequency in large population cohorts (gnomAD); In silico analysis supports that this missense variant has a deleterious effect on protein structure/function; Has not been previously published as pathogenic or benign to our knowledge